The following is an entry in ClinVar:

NM_001256789.3(CACNA1F):c.4831C>T (p.Arg1611Trp)

Genes: CACNA1F (calcium voltage-gated channel subunit alpha1 F; minus strand), LOC126863257 (BRD4-independent group 4 enhancer GRCh37_chrX:49065732-49066931; plus strand). Cytogenetic location: Xp11.23.
Variant type: single nucleotide variant.
Coding change: c.4831C>T on transcript NM_001256789.3 (MANE Select); coding-DNA position 4831, C replaced by T.
Protein change: p.Arg1611Trp; replaces arginine 1611 with tryptophan.
Molecular consequence: missense variant.
Genome position (GRCh38, 1-based): chrX:49,209,384, G>A on the plus strand (C>T on the coding strand, the complement: CACNA1F is on the minus strand). VCF-style: chrX-49209384-G-A. GRCh37 (hg19) VCF-style: chrX-49065844-G-A.
Other names: c.4669C>T, p.Arg1557Trp (NM_001256790.3); c.4864C>T, p.Arg1622Trp (NM_005183.4); short protein forms R1557W, R1611W, R1622W.
Identifiers: ClinVar variation 4808476 (VCV004808476.1).
Genomic context (GRCh38, chrX:49,209,384, plus strand): 5'-CCTCCTCTGTGTCACAGGTGAGGGCCTGCCGCATCTCAGGACCCAAGTCCTGCAGGCTCC[G>A]CAGACCAGCCTGTGGGGGTGGAGAAATAGGTAAGCAGGCAGCTCAGGGTCTGAACTTTCC-3'
Protein context (NP_001243718.1, residues 1601-1621): STSSALQAGL[Arg1611Trp]SLQDLGPEMR

ClinVar aggregate classification (germline): Uncertain significance (1 of 4 stars; one submission).

Submission:

Labcorp Genetics (formerly Invitae), Labcorp
Classification: Uncertain significance. Last evaluated: 2025-03-13. Review status: criteria provided, single submitter. Criteria: Invitae Variant Classification Sherloc (09022015). Collection method: clinical testing. Allele origin: germline.
Comment: This sequence change replaces arginine, which is basic and polar, with tryptophan, which is neutral and slightly polar, at codon 1622 of the CACNA1F protein (p.Arg1622Trp). The frequency data for this variant in the population databases is considered unreliable, as metrics indicate poor data quality at this position in the gnomAD database. This variant has not been reported in the literature in individuals affected with CACNA1F-related conditions. An algorithm developed to predict the effect of missense changes on protein structure and function (PolyPhen-2) suggests that this variant is likely to be tolerated. In summary, the available evidence is currently insufficient to determine the role of this variant in disease. Therefore, it has been classified as a Variant of Uncertain Significance.